The following is an entry in ClinVar:

NM_152713.5(STT3A):c.904G>A (p.Val302Ile)

Gene: STT3A (STT3 oligosaccharyltransferase complex catalytic subunit A; plus strand). Cytogenetic location: 11q24.2.
Variant type: single nucleotide variant.
Coding change: c.904G>A on transcript NM_152713.5 (MANE Select); coding-DNA position 904, G replaced by A.
Protein change: p.Val302Ile; replaces valine 302 with isoleucine.
Molecular consequence: missense variant.
Genome position (GRCh38, 1-based): chr11:125,608,232, G>A. VCF-style: chr11-125608232-G-A. GRCh37 (hg19) VCF-style: chr11-125478127-G-A.
Other names: c.904G>A, p.Val302Ile (NM_001278503.2); c.628G>A, p.Val210Ile (NM_001278504.2); short protein forms V302I, V210I.
Identifiers: ClinVar variation 813630 (VCV000813630.4), dbSNP rs765580288, ClinGen allele CA6348954.

ClinVar aggregate classification (germline): Uncertain significance. Review status: criteria provided, single submitter (1 of 4 stars). 2 submissions from 2 submitters: Uncertain significance (1). 1 of the submissions does not count toward it. Last evaluated 2024-05-01.

Conditions:
Microcephaly. Also called: Microcephaly (disease). Identifiers: MedGen C4551563, MONDO:0001149, HP:0000252.

Allele frequency attached by ClinVar (database versions not stated): ExAC 0.00001; gnomAD exomes 0.00001 and 0.00002; TOPMed 0.00001; gnomAD 0.00002.
gnomAD v4.1: 19 of 1,614,010 alleles (0.0012%); highest among the groups gnomAD compares: East Asian, 0.013%; no homozygotes.

Submissions (2):

Labcorp Genetics (formerly Invitae), Labcorp
Classification: Uncertain significance. Last evaluated: 2024-05-01. Review status: criteria provided, single submitter. Criteria: Invitae Variant Classification Sherloc (09022015). Collection method: clinical testing. Allele origin: germline.
Comment: This sequence change replaces valine, which is neutral and non-polar, with isoleucine, which is neutral and non-polar, at codon 302 of the STT3A protein (p.Val302Ile). This variant is present in population databases (rs765580288, gnomAD 0.009%). This variant has not been reported in the literature in individuals affected with STT3A-related conditions. ClinVar contains an entry for this variant (Variation ID: 813630). Advanced modeling of protein sequence and biophysical properties (such as structural, functional, and spatial information, amino acid conservation, physicochemical variation, residue mobility, and thermodynamic stability) performed at Invitae indicates that this missense variant is not expected to disrupt STT3A protein function with a negative predictive value of 80%. In summary, the available evidence is currently insufficient to determine the role of this variant in disease. Therefore, it has been classified as a Variant of Uncertain Significance.

Department of Pediatrics, Samsung Medical Center, Samsung Medical Center
Classification: Uncertain significance for Microcephaly. Review status: no assertion criteria provided. Criteria: ACMG Guidelines, 2015. Collection method: research. Allele origin: germline. Affected: yes. Not counted in ClinVar's aggregate classification.